The following is an entry in ClinVar:

ClinVar aggregate classification (germline): Uncertain significance (1 of 4 stars; one submission).

Conditions:
Cardiovascular phenotype. Identifiers: MedGen CN230736.

gnomAD v4.1: 3 of 1,614,148 alleles (0.00019%); highest among the groups gnomAD compares: East Asian, 0.0067%; no homozygotes.

Submission:

Ambry Genetics
Classification: Uncertain significance for Cardiovascular phenotype. Last evaluated: 2025-02-10. Review status: criteria provided, single submitter. Criteria: Ambry Variant Classification Scheme 2023. Collection method: clinical testing. Allele origin: germline.
Comment: The p.I831N variant (also known as c.2492T>A), located in coding exon 16 of the CBL gene, results from a T to A substitution at nucleotide position 2492. The isoleucine at codon 831 is replaced by asparagine, an amino acid with dissimilar properties. This amino acid position is conserved. In addition, the in silico prediction for this alteration is inconclusive. Based on the available evidence, the clinical significance of this variant remains unclear.

NM_005188.4(CBL):c.2492T>A (p.Ile831Asn)

Gene: CBL (Cbl proto-oncogene; plus strand). Cytogenetic location: 11q23.3.
Variant type: single nucleotide variant.
Coding change: c.2492T>A on transcript NM_005188.4 (MANE Select); coding-DNA position 2492, T replaced by A.
Protein change: p.Ile831Asn; replaces isoleucine 831 with asparagine.
Molecular consequence: missense variant.
Genome position (GRCh38, 1-based): chr11:119,299,552, T>A. VCF-style: chr11-119299552-T-A. GRCh37 (hg19) VCF-style: chr11-119170262-T-A.
Other names: short protein forms I831N.
Identifiers: ClinVar variation 3827845 (VCV003827845.1).